The following is an entry in ClinVar:

ClinVar aggregate classification (germline): Uncertain significance. Review status: criteria provided, multiple submitters, no conflicts (2 of 4 stars). 2 submissions from 2 submitters: Uncertain significance (2). Last evaluated 2025-06-27.

Conditions:
Inborn genetic diseases. Identifiers: MedGen C0950123, MeSH D030342.
Fanconi anemia (FA). Also called: Fanconi's anemia. Identifiers: Orphanet 84, MedGen C0015625, MeSH D005199, MONDO:0019391.

Allele frequency attached by ClinVar (database versions not stated): gnomAD exomes below 0.00001; TOPMed below 0.00001; gnomAD 0.00001.
gnomAD v4.1: 2 of 1,613,692 alleles (0.00012%); highest among the groups gnomAD compares: Non-Finnish European, 0.00017%; no homozygotes.

Submissions (2):

Ambry Genetics
Classification: Uncertain significance for Inborn genetic diseases. Last evaluated: 2025-06-27. Review status: criteria provided, single submitter. Criteria: Ambry Variant Classification Scheme 2023. Collection method: clinical testing. Allele origin: germline.
Comment: The p.I759V variant (also known as c.2275A>G), located in coding exon 13 of the FANCM gene, results from an A to G substitution at nucleotide position 2275. The isoleucine at codon 759 is replaced by valine, an amino acid with highly similar properties. This amino acid position is conserved. In addition, this alteration is predicted to be tolerated by in silico analysis. Based on the available evidence, the clinical significance of this variant remains unclear.

Labcorp Genetics (formerly Invitae), Labcorp
Classification: Uncertain significance for Fanconi anemia. Last evaluated: 2021-05-07. Review status: criteria provided, single submitter. Criteria: Invitae Variant Classification Sherloc (09022015). Collection method: clinical testing. Allele origin: germline.
Comment: In summary, the available evidence is currently insufficient to determine the role of this variant in disease. Therefore, it has been classified as a Variant of Uncertain Significance. Algorithms developed to predict the effect of missense changes on protein structure and function output the following: SIFT: "Tolerated"; PolyPhen-2: "Benign"; Align-GVGD: "Class C0". The valine amino acid residue is found in multiple mammalian species, suggesting that this missense change does not adversely affect protein function. These predictions have not been confirmed by published functional studies and their clinical significance is uncertain. This variant has not been reported in the literature in individuals with FANCM-related conditions. This variant is not present in population databases (ExAC no frequency). This sequence change replaces isoleucine with valine at codon 759 of the FANCM protein (p.Ile759Val). The isoleucine residue is moderately conserved and there is a small physicochemical difference between isoleucine and valine.

NM_020937.4(FANCM):c.2275A>G (p.Ile759Val)

Gene: FANCM (FA complementation group M; plus strand). Cytogenetic location: 14q21.2.
Variant type: single nucleotide variant.
Coding change: c.2275A>G on transcript NM_020937.4 (MANE Select); coding-DNA position 2275, A replaced by G.
Protein change: p.Ile759Val; replaces isoleucine 759 with valine.
Molecular consequence: missense variant.
Genome position (GRCh38, 1-based): chr14:45,173,169, A>G. VCF-style: chr14-45173169-A-G. GRCh37 (hg19) VCF-style: chr14-45642372-A-G.
Other names: c.2197A>G, p.Ile733Val (NM_001308133.2); c.2275A>G (NM_020937.2); short protein forms I733V, I759V.
Identifiers: ClinVar variation 1434675 (VCV001434675.9), dbSNP rs1431873616, ClinGen allele CA389596825.